The following is an entry in ClinVar:

NM_145200.5(CABP4):c.545G>A (p.Gly182Asp)

Gene: CABP4 (calcium binding protein 4; plus strand). Cytogenetic location: 11q13.2.
Variant type: single nucleotide variant.
Coding change: c.545G>A on transcript NM_145200.5 (MANE Select); coding-DNA position 545, G replaced by A.
Protein change: p.Gly182Asp; replaces glycine 182 with aspartic acid.
Molecular consequence: missense variant. On other transcripts: non-coding transcript variant (1).
Genome position (GRCh38, 1-based): chr11:67,457,576, G>A. VCF-style: chr11-67457576-G-A. GRCh37 (hg19) VCF-style: chr11-67225047-G-A.
Other names: c.230G>A, p.Gly77Asp (NM_001300895.3, NM_001300896.3, NM_001379183.1); short protein forms G182D, G77D.
Identifiers: ClinVar variation 1363477 (VCV001363477.8), dbSNP rs1864859529, ClinGen allele CA381531179.

ClinVar aggregate classification (germline): Uncertain significance (1 of 4 stars; one submission).

Allele frequency attached by ClinVar (database versions not stated): gnomAD exomes below 0.00001; gnomAD 0.00001.
gnomAD v4.1: 3 of 1,581,800 alleles (0.00019%); highest among the groups gnomAD compares: African/African-American, 0.0027%; no homozygotes.

Submission:

Labcorp Genetics (formerly Invitae), Labcorp
Classification: Uncertain significance. Last evaluated: 2022-07-04. Review status: criteria provided, single submitter. Criteria: Invitae Variant Classification Sherloc (09022015). Collection method: clinical testing. Allele origin: germline.
Comment: This sequence change replaces glycine, which is neutral and non-polar, with aspartic acid, which is acidic and polar, at codon 182 of the CABP4 protein (p.Gly182Asp). This variant is not present in population databases (gnomAD no frequency). This variant has not been reported in the literature in individuals affected with CABP4-related conditions. ClinVar contains an entry for this variant (Variation ID: 1363477). Algorithms developed to predict the effect of missense changes on protein structure and function are either unavailable or do not agree on the potential impact of this missense change (SIFT: "Deleterious"; PolyPhen-2: "Possibly Damaging"; Align-GVGD: "Class C0"). In summary, the available evidence is currently insufficient to determine the role of this variant in disease. Therefore, it has been classified as a Variant of Uncertain Significance.